The following is an entry in ClinVar:

NM_000079.4(CHRNA1):c.1345C>T (p.Arg449Ter)

Gene: CHRNA1 (cholinergic receptor nicotinic alpha 1 subunit; minus strand). Cytogenetic location: 2q31.1.
Variant type: single nucleotide variant.
Coding change: c.1345C>T on transcript NM_000079.4 (MANE Select); coding-DNA position 1345, C replaced by T.
Protein change: p.Arg449Ter; replaces arginine 449 with a stop codon.
Molecular consequence: nonsense.
Genome position (GRCh38, 1-based): chr2:174,748,153, G>A on the plus strand (C>T on the coding strand, the complement: CHRNA1 is on the minus strand). VCF-style: chr2-174748153-G-A. GRCh37 (hg19) VCF-style: chr2-175612881-G-A.
Other names: c.1420C>T, p.Arg474Ter (NM_001039523.3); short protein forms R474*, R449*.
Identifiers: ClinVar variation 493300 (VCV000493300.47), dbSNP rs1345496434, ClinGen allele CA349333173.

ClinVar aggregate classification (germline): Uncertain significance. Review status: criteria provided, multiple submitters, no conflicts (2 of 4 stars). 2 submissions from 2 submitters: Uncertain significance (2). Last evaluated 2022-08-17.

Conditions:
Lethal multiple pterygium syndrome (LMPS). Identifiers: Orphanet 33108, MedGen C1854678, MONDO:0009668, OMIM 253290.

Allele frequency attached by ClinVar (database versions not stated): TOPMed 0.00002.

Submissions (2):

Labcorp Genetics (formerly Invitae), Labcorp
Classification: Uncertain significance for Lethal multiple pterygium syndrome. Last evaluated: 2022-08-17. Review status: criteria provided, single submitter. Criteria: Invitae Variant Classification Sherloc (09022015). Collection method: clinical testing. Allele origin: germline.
Comment: This sequence change creates a premature translational stop signal (p.Arg449*) in the CHRNA1 gene. While this is not anticipated to result in nonsense mediated decay, it is expected to disrupt the last 9 amino acid(s) of the CHRNA1 protein. This variant is not present in population databases (gnomAD no frequency). This variant has not been reported in the literature in individuals affected with CHRNA1-related conditions. ClinVar contains an entry for this variant (Variation ID: 493300). Experimental studies and prediction algorithms are not available or were not evaluated, and the functional significance of this variant is currently unknown. In summary, the available evidence is currently insufficient to determine the role of this variant in disease. Therefore, it has been classified as a Variant of Uncertain Significance.

CeGaT Center for Human Genetics Tuebingen
Classification: Uncertain significance. Last evaluated: 2018-10-01. Review status: criteria provided, single submitter. Criteria: CeGaT Center For Human Genetics Tuebingen Variant Classification Criteria Version 2. Collection method: clinical testing. Allele origin: germline. Affected: yes. Observed: 1 variant allele.